The following is an entry in ClinVar:

ClinVar aggregate classification (germline): Uncertain significance. Review status: criteria provided, multiple submitters, no conflicts (2 of 4 stars). 3 submissions from 3 submitters: Uncertain significance (2). 1 of the submissions does not count toward it. Last evaluated 2025-07-09.

Conditions:
SEMA3A-related disorder. Also called: SEMA3A-related condition.

gnomAD v4.1: 45 of 1,613,908 alleles (0.0028%); highest among the groups gnomAD compares: African/African-American, 0.044%; no homozygotes.

Submissions (3):

Labcorp Genetics (formerly Invitae), Labcorp
Classification: Uncertain significance. Last evaluated: 2025-07-09. Review status: criteria provided, single submitter. Criteria: Invitae Variant Classification Sherloc (09022015). Collection method: clinical testing. Allele origin: germline.
Comment: This sequence change replaces arginine, which is basic and polar, with cysteine, which is neutral and slightly polar, at codon 733 of the SEMA3A protein (p.Arg733Cys). This variant is present in population databases (rs138002949, gnomAD 0.06%). This missense change has been observed in individual(s) with constitutional delay of growth and puberty (PMID: 31726455). ClinVar contains an entry for this variant (Variation ID: 3357762). An algorithm developed to predict the effect of missense changes on protein structure and function (PolyPhen-2) suggests that this variant is likely to be disruptive. In summary, the available evidence is currently insufficient to determine the role of this variant in disease. Therefore, it has been classified as a Variant of Uncertain Significance.

GeneDx
Classification: Uncertain significance. Last evaluated: 2024-12-03. Review status: criteria provided, single submitter. Criteria: GeneDx Variant Classification Process June 2021. Collection method: clinical testing. Allele origin: germline. Affected: yes.
Comment: Reported without a second variant in a patient with hypogonadotropic hypogonadism in published literature (PMID: 31200363); In silico analysis supports that this missense variant has a deleterious effect on protein structure/function; This variant is associated with the following publications: (PMID: 31726455, 31200363)

PreventionGenetics, part of Exact Sciences
Classification: Uncertain significance for SEMA3A-related condition. Last evaluated: 2024-05-13. Review status: no assertion criteria provided. Collection method: clinical testing. Allele origin: germline. Not counted in ClinVar's aggregate classification.
Comment: The SEMA3A c.2197C>T variant is predicted to result in the amino acid substitution p.Arg733Cys. This variant was reported in an individual with constitutional delay of growth and puberty (Barroso et al. 2019. PubMed ID: 31726455). This variant is reported in 0.056% of alleles in individuals of African descent in gnomAD, which may be too common to be a primary cause of disease. Although we suspect that this variant may be benign, at this time, the clinical significance of this variant is uncertain due to the absence of conclusive functional and genetic evidence.

Literature cited by the submitters: PubMed 31726455 (cited by Labcorp Genetics (formerly Invitae), Labcorp).

NM_006080.3(SEMA3A):c.2197C>T (p.Arg733Cys)

Gene: SEMA3A (semaphorin 3A; minus strand). Cytogenetic location: 7q21.11.
Variant type: single nucleotide variant.
Coding change: c.2197C>T on transcript NM_006080.3 (MANE Select); coding-DNA position 2197, C replaced by T.
Protein change: p.Arg733Cys; replaces arginine 733 with cysteine.
Molecular consequence: missense variant.
Genome position (GRCh38, 1-based): chr7:83,961,490, G>A on the plus strand (C>T on the coding strand, the complement: SEMA3A is on the minus strand). VCF-style: chr7-83961490-G-A. GRCh37 (hg19) VCF-style: chr7-83590806-G-A.
Other names: short protein forms R733C.
Identifiers: ClinVar variation 3357762 (VCV003357762.3).